The following is an entry in ClinVar:

ClinVar aggregate classification (germline): Uncertain significance (1 of 4 stars; one submission).

Conditions:
Biotinidase deficiency. Also called: BTD deficiency; Late-onset biotin-responsive multiple carboxylase deficiency; Biotin deficiency. Identifiers: Orphanet 79241, MedGen C0220754, MONDO:0009665, OMIM 253260.

gnomAD v4.1: 1 of 1,614,190 alleles (0.000062%); highest among the groups gnomAD compares: Non-Finnish European, 0.000085%; no homozygotes.

Submission:

Labcorp Genetics (formerly Invitae), Labcorp
Classification: Uncertain significance for Biotinidase deficiency. Last evaluated: 2025-07-23. Review status: criteria provided, single submitter. Criteria: Invitae Variant Classification Sherloc (09022015). Collection method: clinical testing. Allele origin: germline.
Comment: This sequence change replaces isoleucine, which is neutral and non-polar, with phenylalanine, which is neutral and non-polar, at codon 294 of the BTD protein (p.Ile294Phe). This variant is not present in population databases (gnomAD no frequency). This missense change has been observed in individual(s) with a positive newborn screening result for BTD-related disease (internal data). Invitae Evidence Modeling of protein sequence and biophysical properties (such as structural, functional, and spatial information, amino acid conservation, physicochemical variation, residue mobility, and thermodynamic stability) indicates that this missense variant is expected to disrupt BTD protein function with a positive predictive value of 95%. In summary, the available evidence is currently insufficient to determine the role of this variant in disease. Therefore, it has been classified as a Variant of Uncertain Significance.

NM_001370658.1(BTD):c.820A>T (p.Ile274Phe)

Gene: BTD (biotinidase; plus strand). Cytogenetic location: 3p25.1.
Variant type: single nucleotide variant.
Coding change: c.820A>T on transcript NM_001370658.1 (MANE Select); coding-DNA position 820, A replaced by T.
Protein change: p.Ile274Phe; replaces isoleucine 274 with phenylalanine.
Molecular consequence: missense variant. On other transcripts: intron variant (6).
Genome position (GRCh38, 1-based): chr3:15,644,736, A>T. VCF-style: chr3-15644736-A-T. GRCh37 (hg19) VCF-style: chr3-15686243-A-T.
Other names: c.820A>T, p.Ile274Phe (NM_001281723.4, NM_001281724.3, NM_001281725.3 and 18 more transcripts); c.399+2679A>T (NM_001370753.1, NM_001407400.1, NM_001407401.1 and 3 more transcripts); short protein forms I274F.
Identifiers: ClinVar variation 4745936 (VCV004745936.1).